The following is an entry in ClinVar:

NM_000384.3(APOB):c.11676C>T (p.Pro3892=)

Gene: APOB (apolipoprotein B; minus strand). Cytogenetic location: 2p24.1.
Variant type: single nucleotide variant.
Coding change: c.11676C>T on transcript NM_000384.3 (MANE Select); coding-DNA position 11676, C replaced by T.
Protein change: p.Pro3892=; no amino-acid change (proline 3892 retained).
Molecular consequence: synonymous variant.
Genome position (GRCh38, 1-based): chr2:21,005,192, G>A on the plus strand (C>T on the coding strand, the complement: APOB is on the minus strand). VCF-style: chr2-21005192-G-A. GRCh37 (hg19) VCF-style: chr2-21228064-G-A.
Identifiers: ClinVar variation 544088 (VCV000544088.12), dbSNP rs762760699, ClinGen allele CA047098.

ClinVar aggregate classification (germline): Likely benign. Review status: criteria provided, multiple submitters, no conflicts (2 of 4 stars). 2 submissions from 2 submitters: Likely benign (2). Last evaluated 2024-07-02.

Conditions:
Familial hypobetalipoproteinemia 1. Also called: Hypobetalipoproteinemia, normotriglyceridemic; Acanthocytosis with hypobetalipoproteinemia; APOB-Related Familial Hypobetalipoproteinemia. Identifiers: MedGen C4551990, MONDO:0014252, OMIM 615558.
Hypercholesterolemia, autosomal dominant, type B (FHCL2). Also called: Familial hypercholesterolemia 2; APOB-Related Familial Hypercholesterolemia, Autosomal Dominant; HYPERCHOLESTEROLEMIA, FAMILIAL, DUE TO LIGAND-DEFECTIVE APOLIPOPROTEIN B; Hyperlipoproteinemia Type IIb; Familial Hypercholesterolemia Type B; APOLIPOPROTEIN B-100, FAMILIAL DEFECTIVE. Identifiers: MedGen C1704417, MONDO:0007751, OMIM 144010.
Familial hypercholesterolemia. Also called: Familial hypercholesterolemias; Familial hypercholesterolaemia. Identifiers: MedGen C0020445, MONDO:0005439.

Allele frequency attached by ClinVar (database versions not stated): TOPMed 0.00001; ExAC 0.00002.
gnomAD v4.1: 13 of 1,613,966 alleles (0.00081%); highest among the groups gnomAD compares: Middle Eastern, 0.13%; 1 homozygote.

Submissions (2):

GENinCode PLC
Classification: Likely benign for Familial hypercholesterolemia. Last evaluated: 2024-07-02. Review status: criteria provided, single submitter. Criteria: ACMG Guidelines, 2015. Collection method: clinical testing. Allele origin: germline.
Comment: This is a synonymous (silent) variant that is not predicted by SpliceAI to impact splicing. In addition, it occurs at a nucleotide that is not conserved. Therefore this variant has been classified as Likely Benign (BP4, BP7).

Labcorp Genetics (formerly Invitae), Labcorp
Classification: Likely benign for Familial hypobetalipoproteinemia 1; Hypercholesterolemia, autosomal dominant, type B. Last evaluated: 2017-11-23. Review status: criteria provided, single submitter. Criteria: Invitae Variant Classification Sherloc (09022015). Collection method: clinical testing. Allele origin: germline.